The following is an entry in ClinVar:

NM_001042492.3(NF1):c.1657dup (p.His553fs)

Gene: NF1 (neurofibromin 1; plus strand). Cytogenetic location: 17q11.2.
Variant type: Duplication.
Coding change: c.1657dup on transcript NM_001042492.3 (MANE Select); coding-DNA position 1657, one base duplicated (C; older notation c.1657dupC).
Protein change: p.His553fs; shifts the reading frame from histidine 553.
Molecular consequence: frameshift variant.
Genome position (GRCh38, 1-based): chr17:31,221,865, C duplicated. VCF-style (leftmost placement, unchanged base first): chr17-31221864-T-TC. GRCh37 (hg19) VCF-style: chr17-29548882-T-TC.
Other names: c.1657dup, p.His553fs (NM_000267.4, NM_001128147.3); short protein forms H553fs.
Identifiers: ClinVar variation 4857608 (VCV004857608.1).

ClinVar aggregate classification (germline): Pathogenic (1 of 4 stars; one submission).

Conditions:
Neurofibromatosis, type 1 (NF1). Also called: NEUROFIBROMATOSIS, TYPE I, SOMATIC; Peripheral type neurofibromatosis; Neurofibromatosis, type I; VON RECKLINGHAUSEN DISEASE. Identifiers: Orphanet 636, MedGen C0027831, MONDO:0018975, OMIM 162200. Disease mechanism: loss of function.

Submission:

Regional Center For Medical Genetics Timis, Louis Turcanu Emergency Hospital for Children Timisoara
Classification: Pathogenic for Neurofibromatosis, type 1. Review status: criteria provided, single submitter. Criteria: ACMG Guidelines, 2015. Collection method: clinical testing. Allele origin: unknown. Affected: yes.
Comment: This variant is absent in gnomAD. This variant generates a frameshift in exon 15 (of a total of 57 exons) resulting in a premature stop codon. This is predicted to lead to a loss of normal protein function, either through protein truncation or nonsense-mediated mRNA decay. Loss of function is an established disease-mechanism in NF1. In the literature, this variant has been reported as a de novo change in a patient with neurofibromatosis type 1 (PMID:35240321, Decipher ID: 430377). Therefore, the variant was classified as pathogenic.

Literature cited by the submitters: PubMed 35240321.